The following is an entry in ClinVar:

ClinVar aggregate classification (germline): Pathogenic (1 of 4 stars; one submission).

Conditions:
Intellectual disability. Also called: Intellectual functioning disability; intellectual disabilities; Intellectual developmental disorder. Identifiers: MedGen C3714756, MeSH D008607, MONDO:0001071, HP:0001249.

Submission:

Equipe Genetique des Anomalies du Developpement, Université de Bourgogne
Classification: Pathogenic for Intellectual disability. Review status: criteria provided, single submitter. Criteria: ACMG Guidelines, 2015. Collection method: clinical testing. Allele origin: de novo. Affected: yes.

NM_014159.7(SETD2):c.4180G>T (p.Glu1394Ter)

Gene: SETD2 (SET domain containing 2, histone lysine methyltransferase; minus strand). Cytogenetic location: 3p21.31.
Variant type: single nucleotide variant.
Coding change: c.4180G>T on transcript NM_014159.7 (MANE Select); coding-DNA position 4180, G replaced by T.
Protein change: p.Glu1394Ter; replaces glutamic acid 1394 with a stop codon.
Molecular consequence: nonsense. On other transcripts: non-coding transcript variant (1).
Genome position (GRCh38, 1-based): chr3:47,120,456, C>A on the plus strand (G>T on the coding strand, the complement: SETD2 is on the minus strand). VCF-style: chr3-47120456-C-A. GRCh37 (hg19) VCF-style: chr3-47161946-C-A.
Other names: c.4180G>T (LRG_775t1); c.4048G>T, p.Glu1350Ter (NM_001349370.3); short protein forms E1350*, E1394*.
Identifiers: ClinVar variation 1172620 (VCV001172620.1), dbSNP rs2107741763, ClinGen allele CA352518298.